The following is an entry in ClinVar:

ClinVar aggregate classification (germline): Uncertain significance (1 of 4 stars; one submission).

Conditions:
Hereditary cancer-predisposing syndrome. Also called: Neoplastic Syndromes, Hereditary; Tumor predisposition; Hereditary neoplastic syndrome; Hereditary Cancer Syndrome. Identifiers: Orphanet 140162, MedGen C0027672, MeSH D009386, MONDO:0015356.

Submission:

Ambry Genetics
Classification: Uncertain significance for Hereditary cancer-predisposing syndrome. Last evaluated: 2023-01-27. Review status: criteria provided, single submitter. Criteria: Ambry Variant Classification Scheme 2023. Collection method: clinical testing. Allele origin: germline.
Comment: The p.K214N variant (also known as c.642G>C), located in coding exon 4 of the CHEK2 gene, results from a G to C substitution at nucleotide position 642. The lysine at codon 214 is replaced by asparagine, an amino acid with similar properties. This amino acid position is conserved. In addition, this alteration is predicted to be tolerated by in silico analysis. Since supporting evidence is limited at this time, the clinical significance of this alteration remains unclear.

NM_007194.4(CHEK2):c.642G>C (p.Lys214Asn)

Gene: CHEK2 (checkpoint kinase 2; minus strand). Cytogenetic location: 22q12.1.
Variant type: single nucleotide variant.
Coding change: c.642G>C on transcript NM_007194.4 (MANE Select); coding-DNA position 642, G replaced by C.
Protein change: p.Lys214Asn; replaces lysine 214 with asparagine.
Molecular consequence: missense variant. On other transcripts: 5 prime UTR variant (2), intron variant (1).
Genome position (GRCh38, 1-based): chr22:28,719,436, C>G on the plus strand (G>C on the coding strand, the complement: CHEK2 is on the minus strand). VCF-style: chr22-28719436-C-G. GRCh37 (hg19) VCF-style: chr22-29115424-C-G.
Other names: c.771G>C, p.Lys257Asn (NM_001005735.3, NM_001438294.1); c.-22G>C (NM_001257387.3, NM_001437942.1); c.735G>C, p.Lys245Asn (NM_001438293.1, NM_001438295.1); c.642G>C, p.Lys214Asn (NM_145862.3); c.482+5450G>C (NM_001349956.3); short protein forms K257N, K214N, K245N.
Identifiers: ClinVar variation 2452080 (VCV002452080.2), dbSNP rs1569149867, ClinGen allele CA411105000.
Genomic context (GRCh38, chr22:28,719,436, plus strand): 5'-ATATAAGAAAATAATTTACCTTCCAAGAGTTTTTGACATGATGTATTCATCTCTTAATGC[C>G]TTAGGATAAACTGACTGATCATCTACAGTCAGATCAAAAAAGACAAAAACTAAGGAAGAA-3'
Protein context (NP_009125.1, residues 204-224): LTVDDQSVYP[Lys214Asn]ALRDEYIMSK